The following is an entry in ClinVar:

ClinVar aggregate classification (germline): Benign/Likely benign. Review status: criteria provided, multiple submitters, no conflicts (2 of 4 stars). 4 submissions from 4 submitters: Benign (1); Likely benign (2). 1 of the submissions does not count toward it. Last evaluated 2026-01-19.

Conditions:
KMT2D-related disorder. Also called: KMT2D-Related Disorders.
Kabuki syndrome. Also called: Kabuki make-up syndrome; NIIKAWA-KUROKI SYNDROME. Identifiers: Orphanet 2322, MedGen C0796004, MONDO:0016512.

Allele frequency attached by ClinVar (database versions not stated): gnomAD exomes 0.00004 and 0.00008; gnomAD 0.00005 and 0.00006; TOPMed 0.00006; ExAC 0.00007.
gnomAD v4.1: 72 of 1,606,316 alleles (0.0045%); highest among the groups gnomAD compares: Non-Finnish European, 0.0022%; no homozygotes.

Submissions (4):

Labcorp Genetics (formerly Invitae), Labcorp
Classification: Benign for Kabuki syndrome. Last evaluated: 2026-01-19. Review status: criteria provided, single submitter. Criteria: Invitae Variant Classification Sherloc (09022015). Collection method: clinical testing. Allele origin: germline.

Blueprint Genetics
Classification: Likely benign. Last evaluated: 2024-11-13. Review status: criteria provided, single submitter. Criteria: ACMG Guidelines, 2015. Collection method: clinical testing. Allele origin: germline.

CeGaT Center for Human Genetics Tuebingen
Classification: Likely benign. Last evaluated: 2024-10-01. Review status: criteria provided, single submitter. Criteria: CeGaT Center For Human Genetics Tuebingen Variant Classification Criteria Version 2. Collection method: clinical testing. Allele origin: germline. Affected: yes. Observed: 1 variant allele.
Comment: KMT2D: BP4, BP7

PreventionGenetics, part of Exact Sciences
Classification: Likely benign for KMT2D-related condition. Last evaluated: 2019-11-12. Review status: no assertion criteria provided. Collection method: clinical testing. Allele origin: germline. Not counted in ClinVar's aggregate classification.
Comment: This variant is classified as likely benign based on ACMG/AMP sequence variant interpretation guidelines (Richards et al. 2015 PMID: 25741868, with internal and published modifications).

NM_003482.4(KMT2D):c.13798C>T (p.Leu4600=)

Gene: KMT2D (lysine methyltransferase 2D; minus strand). Cytogenetic location: 12q13.12.
Variant type: single nucleotide variant.
Coding change: c.13798C>T on transcript NM_003482.4 (MANE Select); coding-DNA position 13798, C replaced by T.
Protein change: p.Leu4600=; no amino-acid change (leucine 4600 retained).
Molecular consequence: synonymous variant.
Genome position (GRCh38, 1-based): chr12:49,030,642, G>A on the plus strand (C>T on the coding strand, the complement: KMT2D is on the minus strand). VCF-style: chr12-49030642-G-A. GRCh37 (hg19) VCF-style: chr12-49424425-G-A.
Other names: c.13798C>T (NM_003482.3).
Identifiers: ClinVar variation 1563596 (VCV001563596.25), dbSNP rs759415551, ClinGen allele CA6545904.
Genomic context (GRCh38, chr12:49,030,642, plus strand): 5'-ATATTGCCATTTTTCTGACCTTGGTAAGCAGCTGGGAATAGTAGTCAGGGCCAGTGGGCA[G>A]CGCCCCACTTCCAAAGGCCCCCCTCAGCTGGCTCTGCCCATTGACTGGGCAGCCACTGCC-3'
Protein context (NP_003473.3, residues 4590-4610): QLRGAFGSGA[Leu4600=]PTGPDYYSQL